The following is an entry in ClinVar:

ClinVar aggregate classification (germline): Uncertain significance. Review status: criteria provided, multiple submitters, no conflicts (2 of 4 stars). 2 submissions from 2 submitters: Uncertain significance (2). Last evaluated 2024-11-11.

Conditions:
Walker-Warburg congenital muscular dystrophy. Also called: Muscular dystrophy-dystroglycanopathy, type A; Walker-Warburg syndrome. Identifiers: Orphanet 899, MedGen C0265221, MONDO:0000171.
Autosomal recessive limb-girdle muscular dystrophy type 2K. Also called: MUSCULAR DYSTROPHY, LIMB-GIRDLE, TYPE 2K; MUSCULAR DYSTROPHY-DYSTROGLYCANOPATHY (LIMB-GIRDLE), TYPE C, 1. Identifiers: Orphanet 86812, MedGen C1836373, MONDO:0012248, OMIM 609308.
Muscular dystrophy-dystroglycanopathy (congenital with impaired intellectual development), type B, 1. Also called: MUSCULAR DYSTROPHY, CONGENITAL, POMT1-RELATED; Muscular dystrophy-dystroglycanopathy (congenital with intellectual disability), type B1. Identifiers: MedGen C5436962, MONDO:0013159, OMIM 613155.

Allele frequency attached by ClinVar (database versions not stated): TOPMed below 0.00001; gnomAD exomes 0.00003 and 0.00002; ExAC 0.00003; gnomAD 0.00001.
gnomAD v4.1: 12 of 1,614,124 alleles (0.00074%); highest among the groups gnomAD compares: Admixed American, 0.018%; no homozygotes.

Submissions (2):

Labcorp Genetics (formerly Invitae), Labcorp
Classification: Uncertain significance for Muscular dystrophy-dystroglycanopathy (congenital with impaired intellectual development), type B, 1; Walker-Warburg congenital muscular dystrophy; Autosomal recessive limb-girdle muscular dystrophy type 2K. Last evaluated: 2024-11-11. Review status: criteria provided, single submitter. Criteria: Invitae Variant Classification Sherloc (09022015). Collection method: clinical testing. Allele origin: germline.
Comment: This sequence change replaces valine, which is neutral and non-polar, with isoleucine, which is neutral and non-polar, at codon 256 of the POMT1 protein (p.Val256Ile). This variant is present in population databases (rs755248350, gnomAD 0.02%). This variant has not been reported in the literature in individuals affected with POMT1-related conditions. ClinVar contains an entry for this variant (Variation ID: 845965). An algorithm developed to predict the effect of missense changes on protein structure and function outputs the following: PolyPhen-2: "Benign". The isoleucine amino acid residue is found in multiple mammalian species, which suggests that this missense change does not adversely affect protein function. In summary, the available evidence is currently insufficient to determine the role of this variant in disease. Therefore, it has been classified as a Variant of Uncertain Significance.

GeneDx
Classification: Uncertain significance. Last evaluated: 2023-03-21. Review status: criteria provided, single submitter. Criteria: GeneDx Variant Classification Process June 2021. Collection method: clinical testing. Allele origin: germline. Affected: yes.
Comment: In silico analysis supports that this missense variant does not alter protein structure/function; Has not been previously published as pathogenic or benign to our knowledge

NM_001077365.2(POMT1):c.700G>A (p.Val234Ile)

Gene: POMT1 (protein O-mannosyltransferase 1; plus strand). Cytogenetic location: 9q34.13.
Variant type: single nucleotide variant.
Coding change: c.700G>A on transcript NM_001077365.2 (MANE Select); coding-DNA position 700, G replaced by A.
Protein change: p.Val234Ile; replaces valine 234 with isoleucine.
Molecular consequence: missense variant. On other transcripts: non-coding transcript variant (10).
Genome position (GRCh38, 1-based): chr9:131,510,260, G>A. VCF-style: chr9-131510260-G-A. GRCh37 (hg19) VCF-style: chr9-134385647-G-A.
Other names: c.538G>A, p.Val180Ile (NM_001077366.2, NM_001353194.2, NM_001374693.1); c.700G>A, p.Val234Ile (NM_001136113.2, NM_001374690.1); c.349G>A, p.Val117Ile (NM_001136114.2, NM_001353195.2, NM_001374691.1 and 1 more transcripts); c.766G>A, p.Val256Ile (NM_001353193.2, NM_007171.4); c.610G>A, p.Val204Ile (NM_001353196.2); c.604G>A, p.Val202Ile (NM_001353197.2, NM_001353198.2); c.415G>A, p.Val139Ile (NM_001353199.2); c.244G>A, p.Val82Ile (NM_001353200.2); and 2 more; short protein forms G228D, V117I, V180I, V139I, V204I, V202I, V234I, V256I.
Identifiers: ClinVar variation 845965 (VCV000845965.10), dbSNP rs755248350, ClinGen allele CA5293420.